The following is an entry in ClinVar:

ClinVar aggregate classification (germline): Uncertain significance (1 of 4 stars; one submission).

Conditions:
Idiopathic generalized epilepsy. Also called: EIG; Generalised epilepsy. Identifiers: MedGen C0270850, MONDO:0005579, OMIM 600669.

gnomAD v4.1: 1 of 1,570,042 alleles (0.000064%); no homozygotes.

Submission:

Labcorp Genetics (formerly Invitae), Labcorp
Classification: Uncertain significance for Idiopathic generalized epilepsy. Last evaluated: 2024-10-25. Review status: criteria provided, single submitter. Criteria: Invitae Variant Classification Sherloc (09022015). Collection method: clinical testing. Allele origin: germline.
Comment: This sequence change replaces isoleucine, which is neutral and non-polar, with valine, which is neutral and non-polar, at codon 163 of the RBFOX1 protein (p.Ile163Val). This variant is not present in population databases (gnomAD no frequency). This variant has not been reported in the literature in individuals affected with RBFOX1-related conditions. ClinVar contains an entry for this variant (Variation ID: 1934920). Invitae Evidence Modeling of protein sequence and biophysical properties (such as structural, functional, and spatial information, amino acid conservation, physicochemical variation, residue mobility, and thermodynamic stability) indicates that this missense variant is not expected to disrupt RBFOX1 protein function with a negative predictive value of 80%. In summary, the available evidence is currently insufficient to determine the role of this variant in disease. Therefore, it has been classified as a Variant of Uncertain Significance.

NM_018723.4(RBFOX1):c.427A>G (p.Ile143Val)

Gene: RBFOX1 (RNA binding fox-1 homolog 1; plus strand). Cytogenetic location: 16p13.3.
Variant type: single nucleotide variant.
Coding change: c.427A>G on transcript NM_018723.4 (MANE Select); coding-DNA position 427, A replaced by G.
Protein change: p.Ile143Val; replaces isoleucine 143 with valine.
Molecular consequence: missense variant.
Genome position (GRCh38, 1-based): chr16:7,587,259, A>G. VCF-style: chr16-7587259-A-G. GRCh37 (hg19) VCF-style: chr16-7637261-A-G.
Other names: c.427A>G, p.Ile143Val (NM_001142333.2, NM_001142334.2, NM_001364800.2 and 1 more transcripts); c.556A>G, p.Ile186Val (NM_001308117.1, NM_001411047.1, NM_001415891.1 and 5 more transcripts); c.1024A>G, p.Ile342Val (NM_001415887.1, NM_001415888.1); c.535A>G, p.Ile179Val (NM_001415889.1, NM_001415892.1, NM_001415894.1 and 5 more transcripts); c.502A>G, p.Ile168Val (NM_001415890.1, NM_001415893.1, NM_001415899.1 and 4 more transcripts); c.487A>G, p.Ile163Val (NM_001415896.1, NM_001415904.1, NM_001415906.1 and 4 more transcripts); c.433A>G, p.Ile145Val (NM_001415902.1, NM_001415911.1, NM_001415917.1); short protein forms I143V, I342V, I163V, I179V, I186V, I168V, I145V.
Identifiers: ClinVar variation 1934920 (VCV001934920.5), dbSNP rs2509609375, ClinGen allele CA394682674.